The following is an entry in ClinVar:

NM_001048174.2(MUTYH):c.665G>A (p.Gly222Asp)

Gene: MUTYH (mutY DNA glycosylase; minus strand). Cytogenetic location: 1p34.1.
Variant type: single nucleotide variant.
Coding change: c.665G>A on transcript NM_001048174.2 (MANE Select); coding-DNA position 665, G replaced by A.
Protein change: p.Gly222Asp; replaces glycine 222 with aspartic acid.
Molecular consequence: missense variant. On other transcripts: non-coding transcript variant (2).
Genome position (GRCh38, 1-based): chr1:45,332,430, C>T on the plus strand (G>A on the coding strand, the complement: MUTYH is on the minus strand). VCF-style: chr1-45332430-C-T. GRCh37 (hg19) VCF-style: chr1-45798102-C-T.
Other names: c.665G>A, p.Gly222Asp (NM_001048171.2, NM_001048173.2, NM_001293195.2); c.668G>A, p.Gly223Asp (NM_001048172.2); c.749G>A, p.Gly250Asp (NM_001128425.2); c.710G>A, p.Gly237Asp (NM_001293190.2); c.698G>A, p.Gly233Asp (NM_001293191.2); c.389G>A, p.Gly130Asp (NM_001293192.2, NM_001293196.2); c.320G>A, p.Gly107Asp (NM_001350650.2, NM_001350651.2); c.740G>A, p.Gly247Asp (NM_012222.3); short protein forms G250D, G107D, G222D, G130D, G237D, G223D, G233D, G247D.
Identifiers: ClinVar variation 141145 (VCV000141145.24), dbSNP rs587781529, ClinGen allele CA014271.

ClinVar aggregate classification (germline): Conflicting classifications of pathogenicity. Review status: criteria provided, conflicting classifications (1 of 4 stars). 6 submissions from 6 submitters: Likely pathogenic (3); Uncertain significance (3). Last evaluated 2026-07-27.

Conditions:
Hereditary cancer-predisposing syndrome. Also called: Neoplastic Syndromes, Hereditary; Tumor predisposition; Hereditary neoplastic syndrome; Hereditary Cancer Syndrome. Identifiers: Orphanet 140162, MedGen C0027672, MeSH D009386, MONDO:0015356.
Familial adenomatous polyposis 2. Also called: MYH-associated polyposis; MUTYH Polyposis; MUTYH-related attenuated familial adenomatous polyposis; COLORECTAL ADENOMATOUS POLYPOSIS, AUTOSOMAL RECESSIVE; Adenomas, multiple colorectal; ADENOMAS, MULTIPLE COLORECTAL, AUTOSOMAL RECESSIVE. Identifiers: Orphanet 220460, Orphanet 247798, MedGen C3272841, MONDO:0012041, OMIM 608456.

Allele frequency attached by ClinVar (database versions not stated): gnomAD exomes below 0.00001; TOPMed below 0.00001.
gnomAD v4.1: 1 of 1,614,188 alleles (0.000062%); highest among the groups gnomAD compares: South Asian, 0.0011%; no homozygotes.

Submissions (6):

Myriad Genetics, Inc.
Classification: Likely pathogenic for Familial adenomatous polyposis 2. Last evaluated: 2026-07-27. Review status: criteria provided, single submitter. Criteria: Myriad Autosomal Dominant, Autosomal Recessive and X-Linked Classification Criteria (2023). Collection method: clinical testing. Allele origin: unknown.
Comment: This variant is considered likely pathogenic. This variant has been reported in multiple individuals with clinical features of gene-specific disease [PMID: 19732775; Myriad internal data]. Functional studies indicate this variant impacts protein function [PMID: 40738107]. This variant is expected to disrupt protein structure [Myriad internal data].

Labcorp Genetics (formerly Invitae), Labcorp
Classification: Uncertain significance for Familial adenomatous polyposis 2. Last evaluated: 2025-11-05. Review status: criteria provided, single submitter. Criteria: Invitae Variant Classification Sherloc (09022015). Collection method: clinical testing. Allele origin: germline.
Comment: This sequence change replaces glycine, which is neutral and non-polar, with aspartic acid, which is acidic and polar, at codon 250 of the MUTYH protein (p.Gly250Asp). This variant is not present in population databases (gnomAD no frequency). This missense change has been observed in individual(s) with colorectal polyps and/or cancer (PMID: 19032956, 19732775). ClinVar contains an entry for this variant (Variation ID: 141145). An algorithm developed to predict the effect of missense changes on protein structure and function (PolyPhen-2) suggests that this variant is likely to be disruptive. In summary, the available evidence is currently insufficient to determine the role of this variant in disease. Therefore, it has been classified as a Variant of Uncertain Significance.

Color Diagnostics, LLC DBA Color Health
Classification: Likely pathogenic for Hereditary cancer-predisposing syndrome. Last evaluated: 2025-10-22. Review status: criteria provided, single submitter. Criteria: ACMG Guidelines, 2015. Collection method: clinical testing. Allele origin: germline.
Comment: This missense variant replaces glycine with aspartic acid at codon 250 of the MUTYH protein. Computational prediction tool is inconclusive regarding the impact of this variant on protein structure and function. In a saturation mutagenic screen that used a cell-based assay to measure 8OG:A repair, this variant was reported to cause loss of function (PMID: 40738107). This variant has been reported in an individual affected with MUTYH-associated polyposis (PMID: 19032956) and with a second pathogenic variant in trans in an individual affected with colorectal cancer (PMID: 19732775). This variant has not been identified in the general population by the Genome Aggregation Database (gnomAD). Based on the available evidence, this variant is classified as Likely Pathogenic.

Ambry Genetics
Classification: Likely pathogenic for Hereditary cancer-predisposing syndrome. Last evaluated: 2025-08-12. Review status: criteria provided, single submitter. Criteria: Ambry Variant Classification Scheme 2023. Collection method: clinical testing. Allele origin: germline.
Comment: The p.G250D variant (also known as c.749G>A), located in coding exon 9 of the MUTYH gene, results from a G to A substitution at nucleotide position 749. The glycine at codon 250 is replaced by aspartic acid, an amino acid with similar properties. This alteration was observed in two individuals from the same family; both are also carriers of a known deleterious MUTYH mutation (Vogt, S et al. Gastroenterology. 2009 Dec;137(6):1976-85.e1-10). A second study found this alteration in 1 of 257 patients with MUTYH-associated polyposis (MAP), however information regarding a second mutation and phenotype were not provided (Nielsen, M et al. Gastroenterology. 2009 Feb;136(2):471-6). In a massively parallel cell-based functional assay testing 7,8-dihydro-8- oxoguanine:adenine (8OG:A) repair activity, a byproduct of oxidative damage, this variant was reported to be non-functional (Hemker SL et al. Am J Hum Genet. Published online July 29, 2025. DOI: 10.1016/j.ajhg.2025.07.005). This amino acid position is highly conserved in available vertebrate species. In addition, this alteration is predicted to be deleterious by in silico analysis. This variant is considered to be rare based on population cohorts in the Genome Aggregation Database (gnomAD). Based on the majority of available evidence to date, this variant is likely to be pathogenic.

Sema4
Classification: Uncertain significance for Hereditary cancer-predisposing syndrome. Last evaluated: 2022-02-08. Review status: criteria provided, single submitter. Criteria: Sema4 Curation Guidelines. Collection method: curation. Allele origin: germline.
Comment: The MUTYH c.749G>A ( p.G250D) variant has been reported in at least two individuals with colon polyps, one of them was compound heterozygous with a pathogenic variant (PMID: 19732775, 19032956). It was not observed in the large and broad cohorts of the Genome Aggregation Database (PMID: 32461654). This variant has been reported in ClinVar (Variation ID: 141145). Functional studies have not been performed, and in silico predictions of the variant's effect on protein function are inconclusive. The evidence is insufficient to meet ACMG/AMP criteria for classifying the variant as benign or pathogenic. Thus, the clinical significance of this variant is currently uncertain.

GeneDx
Classification: Uncertain significance. Last evaluated: 2020-03-16. Review status: criteria provided, single submitter. Criteria: GeneDx Variant Classification Process June 2021. Collection method: clinical testing. Allele origin: germline. Affected: yes.
Comment: Not observed in large population cohorts (Lek 2016); In silico analysis supports that this missense variant has a deleterious effect on protein structure/function; Observed with a pathogenic MUTYH variant both in an individual with multiple colorectal polyps and colorectal cancer, but also in an unaffected relative (Nielsen 2009, Vogt 2009); This variant is associated with the following publications: (PMID: 19032956, 19732775, 19394335)

Literature cited by the submitters: PubMed 19732775 (cited by 5 submitters); PubMed 40738107 (cited by 3 submitters); PubMed 19032956 (cited by 4 submitters).